The following is an entry in ClinVar:

ClinVar aggregate classification (germline): Pathogenic. Review status: criteria provided, multiple submitters, no conflicts (2 of 4 stars). 2 submissions from 2 submitters: Pathogenic (2). Last evaluated 2025-09-08.

Conditions:
X-linked Alport syndrome (ATS1). Also called: COL4A5-Related Nephropathy; NEPHROPATHY AND DEAFNESS, X-LINKED. Identifiers: Orphanet 63, Orphanet 88917, MedGen C4746986, MONDO:0010520, OMIM 301050.

Allele frequency attached by ClinVar (database versions not stated): TOPMed below 0.00001.

Submissions (2):

Labcorp Genetics (formerly Invitae), Labcorp
Classification: Pathogenic. Last evaluated: 2025-09-08. Review status: criteria provided, single submitter. Criteria: Invitae Variant Classification Sherloc (09022015). Collection method: clinical testing. Allele origin: germline.
Comment: This sequence change replaces glycine, which is neutral and non-polar, with valine, which is neutral and non-polar, at codon 1069 of the COL4A5 protein (p.Gly1069Val). This variant is not present in population databases (gnomAD no frequency). This missense change has been observed in individuals with clinical features of Alport syndrome (PMID: 20378821, 37100867, 37225412; internal data). ClinVar contains an entry for this variant (Variation ID: 24605). Invitae Evidence Modeling of protein sequence and biophysical properties (such as structural, functional, and spatial information, amino acid conservation, physicochemical variation, residue mobility, and thermodynamic stability) indicates that this missense variant is expected to disrupt COL4A5 protein function with a positive predictive value of 95%. This variant disrupts the p.Gly1069 amino acid residue in COL4A5. Other variant(s) that disrupt this residue have been observed in individuals with COL4A5-related conditions (PMID: 24304881), which suggests that this may be a clinically significant amino acid residue. For these reasons, this variant has been classified as Pathogenic.

Institute of Human Genetics Munich, TUM University Hospital
Classification: Pathogenic for X-linked Alport syndrome. Last evaluated: 2019-05-10. Review status: criteria provided, single submitter. Criteria: Classification criteria August 2017. Collection method: clinical testing. Allele origin: germline. Inheritance: X-linked inheritance. Affected: yes. Observed: 2 heterozygotes.

Literature cited by the submitters: PubMed 20378821 (cited by Labcorp Genetics (formerly Invitae), Labcorp); PubMed 37100867 (cited by Labcorp Genetics (formerly Invitae), Labcorp); PubMed 37225412 (cited by Labcorp Genetics (formerly Invitae), Labcorp); PubMed 24304881 (cited by Labcorp Genetics (formerly Invitae), Labcorp).

NM_033380.3(COL4A5):c.3206G>T (p.Gly1069Val)

Gene: COL4A5 (collagen type IV alpha 5 chain; plus strand). Cytogenetic location: Xq22.3.
Variant type: single nucleotide variant.
Coding change: c.3206G>T on transcript NM_033380.3 (MANE Select); coding-DNA position 3206, G replaced by T.
Protein change: p.Gly1069Val; replaces glycine 1069 with valine.
Molecular consequence: missense variant.
Genome position (GRCh38, 1-based): chrX:108,626,309, G>T. VCF-style: chrX-108626309-G-T. GRCh37 (hg19) VCF-style: chrX-107869539-G-T.
Other names: c.3206G>T, p.Gly1069Val (NM_000495.5); short protein forms G1069V.
Identifiers: ClinVar variation 24605 (VCV000024605.14), dbSNP rs281874712, ClinGen allele CA258832.